The following is an entry in ClinVar:

ClinVar aggregate classification (germline): Uncertain significance (1 of 4 stars; one submission).

Conditions:
Mendelian susceptibility to mycobacterial diseases due to partial STAT1 deficiency. Also called: Immunodeficiency 31a; IMMUNODEFICIENCY 31A, MYCOBACTERIOSIS, AUTOSOMAL DOMINANT; STAT1 DEFICIENCY, AUTOSOMAL DOMINANT. Identifiers: Orphanet 319595, MedGen C4013950, MONDO:0013956, OMIM 614892.
Immunodeficiency 31B. Also called: IMMUNODEFICIENCY 31B, MYCOBACTERIAL AND VIRAL INFECTIONS, AUTOSOMAL RECESSIVE; STAT1 DEFICIENCY, AUTOSOMAL RECESSIVE. Identifiers: Orphanet 391311, MedGen C3151088, MONDO:0013427, OMIM 613796.
Autoimmune enteropathy and endocrinopathy - susceptibility to chronic infections syndrome. Also called: Immunodeficiency 31C; Immunodeficiency 31C, autosomal dominant. Identifiers: Orphanet 391487, MedGen C3279990, MONDO:0013599, OMIM 614162.

Allele frequency attached by ClinVar (database versions not stated): gnomAD exomes below 0.00001.
gnomAD v4.1: 1 of 1,612,962 alleles (0.000062%); highest among the groups gnomAD compares: South Asian, 0.0011%; no homozygotes.

Submission:

Labcorp Genetics (formerly Invitae), Labcorp
Classification: Uncertain significance for Mendelian susceptibility to mycobacterial diseases due to partial STAT1 deficiency; Immunodeficiency 31B; Autoimmune enteropathy and endocrinopathy - susceptibility to chronic infections syndrome. Last evaluated: 2024-04-15. Review status: criteria provided, single submitter. Criteria: Invitae Variant Classification Sherloc (09022015). Collection method: clinical testing. Allele origin: germline.
Comment: This sequence change replaces alanine, which is neutral and non-polar, with threonine, which is neutral and polar, at codon 119 of the STAT1 protein (p.Ala119Thr). This variant is present in population databases (no rsID available, gnomAD 0.005%). This variant has not been reported in the literature in individuals affected with STAT1-related conditions. An algorithm developed to predict the effect of missense changes on protein structure and function (PolyPhen-2) suggests that this variant is likely to be disruptive. In summary, the available evidence is currently insufficient to determine the role of this variant in disease. Therefore, it has been classified as a Variant of Uncertain Significance.

NM_007315.4(STAT1):c.355G>A (p.Ala119Thr)

Gene: STAT1 (signal transducer and activator of transcription 1; minus strand). Cytogenetic location: 2q32.2.
Variant type: single nucleotide variant.
Coding change: c.355G>A on transcript NM_007315.4 (MANE Select); coding-DNA position 355, G replaced by A.
Protein change: p.Ala119Thr; replaces alanine 119 with threonine.
Molecular consequence: missense variant.
Genome position (GRCh38, 1-based): chr2:191,007,580, C>T on the plus strand (G>A on the coding strand, the complement: STAT1 is on the minus strand). VCF-style: chr2-191007580-C-T. GRCh37 (hg19) VCF-style: chr2-191872306-C-T.
Other names: c.355G>A, p.Ala119Thr (NM_001384880.1, NM_001384882.1, NM_001384883.1 and 7 more transcripts); c.361G>A, p.Ala121Thr (NM_001384881.1, NM_001384884.1); c.391G>A, p.Ala131Thr (NM_001384891.1); short protein forms A119T, A121T, A131T.
Identifiers: ClinVar variation 2930410 (VCV002930410.3), dbSNP rs1482374494, ClinGen allele CA349927226.